The following is an entry in ClinVar:

NM_001375380.1(EBF3):c.171del (p.Gln57fs)

Gene: EBF3 (EBF transcription factor 3; minus strand). Cytogenetic location: 10q26.3.
Variant type: Deletion.
Coding change: c.171del on transcript NM_001375380.1 (MANE Select); coding-DNA position 171, one base deleted (G; older notation c.171delG).
Protein change: p.Gln57fs; shifts the reading frame from glutamine 57.
Molecular consequence: frameshift variant.
Genome position (GRCh38, 1-based): chr10:129,963,487, C deleted on the plus strand (G on the coding strand, the reverse complement: EBF3 is on the minus strand). VCF-style (leftmost placement, unchanged base first): chr10-129963486-GC-G. GRCh37 (hg19) VCF-style: chr10-131761750-GC-G.
Other names: c.171del, p.Gln57fs (NM_001005463.3, NM_001375379.1, NM_001375389.1 and 3 more transcripts); short protein forms Q57fs.
Identifiers: ClinVar variation 504040 (VCV000504040.2), dbSNP rs1554937243, ClinGen allele CA658797551.

ClinVar aggregate classification (germline): Pathogenic (1 of 4 stars; one submission).

Submission:

GeneDx
Classification: Pathogenic. Last evaluated: 2018-01-17. Review status: criteria provided, single submitter. Criteria: GeneDx Variant Classification (06012015). Collection method: clinical testing. Allele origin: germline. Affected: yes.
Comment: The c.171delG variant in the EBF3 gene has not been reported previously as a pathogenic variant nor as a benign variant, to our knowledge. The c.171delG variant causes a frameshift starting with codon Glutamine 57, changes this amino acid to a Histidine residue, and creates a premature Stop codon at position 75 of the new reading frame, denoted p.Gln57HisfsX75. This variant is predicted to cause loss of normal protein function either through protein truncation or nonsense-mediated mRNA decay. The c.171delG variant is not observed in large population cohorts (Lek et al., 2016). We interpret c.171delG as a pathogenic variant.